The following is an entry in ClinVar:

ClinVar aggregate classification (germline): Pathogenic (0 of 4 stars; one submission).

Conditions:
Infantile neuroaxonal dystrophy (NBIA2A). Also called: Infantile neuroaxonal dystrophy 1; NEURODEGENERATION WITH BRAIN IRON ACCUMULATION 2A; SEITELBERGER DISEASE. Identifiers: Orphanet 35069, MedGen C0270724, MONDO:0024457, OMIM 256600.

Submission:

Baylor Genetics
Classification: Pathogenic for Infantile neuroaxonal dystrophy. Last evaluated: 2015-12-07. Review status: no assertion criteria provided. Collection method: clinical testing. Allele origin: germline. Inheritance: Autosomal recessive inheritance. Affected: yes. Observed: 1 variant allele, 1 homozygote.

Single allele

Gene: PLA2G6 (phospholipase A2 group VI; minus strand). Cytogenetic location: 22q13.1.
Variant type: Deletion.
Identifiers: ClinVar variation 374373 (VCV000374373.2).